The following is an entry in ClinVar:

ClinVar aggregate classification (germline): Pathogenic (1 of 4 stars; one submission).

Conditions:
Epilepsy, idiopathic generalized, susceptibility to, 15 (EIG15). Identifiers: MedGen C5193050, MONDO:0032699, OMIM 618357.

Submission:

Genetics Department, Catlab
Classification: Pathogenic for Epilepsy, idiopathic generalized, susceptibility to, 15. Last evaluated: 2025-12-18. Review status: criteria provided, single submitter. Criteria: ACMG Guidelines, 2015. Collection method: clinical testing. Allele origin: germline. Affected: yes.
Comment: The c.694del variant in the RORB gene is a loss of function variant predicted to undergo nonsense mediated decay and loss of function variants have been described as a causing mechanism for the gene (PVS1_verystrong). This change is located in the LBD domain and 14/33 of the described pathogenic variants are located in this domain (PMID: 39897619) (PM1_moderate). The variant is absent from gnomAD v4.1 (PM2_moderate). With all the available evidence, the variant is classified as pathogenic.

Literature cited by the submitters: PubMed 39897619.

NM_006914.4(RORB):c.694del (p.Glu232fs)

Gene: RORB (RAR related orphan receptor B; plus strand). Cytogenetic location: 9q21.13.
Variant type: Deletion.
Coding change: c.694del on transcript NM_006914.4 (MANE Select); coding-DNA position 694, one base deleted (G; older notation c.694delG).
Protein change: p.Glu232fs; shifts the reading frame from glutamic acid 232.
Molecular consequence: frameshift variant.
Genome position (GRCh38, 1-based): chr9:74,660,673, G deleted; the last of 2 consecutive G bases (chr9:74,660,672-74,660,673); deleting either gives the same sequence. VCF-style (leftmost placement, unchanged base first): chr9-74660671-TG-T. GRCh37 (hg19) VCF-style: chr9-77275587-TG-T.
Other names: c.727del, p.Glu243fs (NM_001365023.1); short protein forms E232fs, E243fs.
Identifiers: ClinVar variation 4538480 (VCV004538480.1).
Genomic context (GRCh38, chr9:74,660,671, plus strand): 5'-TCACAGACCGAATTGCACAGAACATCATTAAGTCCCATTTGGAGACATGTCAATACACCA[TG>T]GAAGAGCTGCACCAGCTGGCGTGGCAGACCCACACCTATGAAGAAATTAAAGCATATCAA-3'